The following is an entry in ClinVar:

ClinVar aggregate classification (germline): Uncertain significance (1 of 4 stars; one submission).

gnomAD v4.1: 1 of 1,612,260 alleles (0.000062%); highest among the groups gnomAD compares: Non-Finnish European, 0.000085%; no homozygotes.

Submission:

Labcorp Genetics (formerly Invitae), Labcorp
Classification: Uncertain significance. Last evaluated: 2025-08-29. Review status: criteria provided, single submitter. Criteria: Invitae Variant Classification Sherloc (09022015). Collection method: clinical testing. Allele origin: germline.
Comment: This sequence change replaces proline, which is neutral and non-polar, with serine, which is neutral and polar, at codon 201 of the ZNF341 protein (p.Pro201Ser). This variant is not present in population databases (gnomAD no frequency). This variant has not been reported in the literature in individuals affected with ZNF341-related conditions. An algorithm developed to predict the effect of missense changes on protein structure and function outputs the following: PolyPhen-2: "Benign". The serine amino acid residue is found in multiple mammalian species, which suggests that this missense change does not adversely affect protein function. In summary, the available evidence is currently insufficient to determine the role of this variant in disease. Therefore, it has been classified as a Variant of Uncertain Significance.

NM_001282933.2(ZNF341):c.601C>T (p.Pro201Ser)

Gene: ZNF341 (zinc finger protein 341; plus strand). Cytogenetic location: 20q11.22.
Variant type: single nucleotide variant.
Coding change: c.601C>T on transcript NM_001282933.2 (MANE Select); coding-DNA position 601, C replaced by T.
Protein change: p.Pro201Ser; replaces proline 201 with serine.
Molecular consequence: missense variant. On other transcripts: non-coding transcript variant (1).
Genome position (GRCh38, 1-based): chr20:33,753,283, C>T. VCF-style: chr20-33753283-C-T. GRCh37 (hg19) VCF-style: chr20-32341089-C-T.
Other names: c.331C>T, p.Pro111Ser (NM_001282935.2); c.601C>T, p.Pro201Ser (NM_032819.5); short protein forms P201S, P111S.
Identifiers: ClinVar variation 4710920 (VCV004710920.1).
Genomic context (GRCh38, chr20:33,753,283, plus strand): 5'-CCTCCTCCACCTCCTCCACCACTGCCCCCACCGCCACCACCTCAGCCTCCACCACCTCCA[C>T]CCCAGAGCCTGGGCCCCCCTGGGCGTCCCAACCCTGGTGGGAACGGTGTGGTGGAGGTGT-3'
Protein context (NP_001269862.1, residues 191-211): PPPPQPPPPP[Pro201Ser]QSLGPPGRPN